The following is an entry in ClinVar:

ClinVar aggregate classification (germline): Uncertain significance (1 of 4 stars; one submission).

Conditions:
Melanoma, cutaneous malignant, susceptibility to, 5. Also called: Cutaneous malignant melanoma 5. Identifiers: Orphanet 618, MedGen C2751295, MONDO:0013133, OMIM 613099.

Submission:

Labcorp Genetics (formerly Invitae), Labcorp
Classification: Uncertain significance for Melanoma, cutaneous malignant, susceptibility to, 5. Last evaluated: 2021-08-03. Review status: criteria provided, single submitter. Criteria: Invitae Variant Classification Sherloc (09022015). Collection method: clinical testing. Allele origin: germline.
Comment: In summary, the available evidence is currently insufficient to determine the role of this variant in disease. Therefore, it has been classified as a Variant of Uncertain Significance. This variant has not been reported in the literature in individuals affected with MC1R-related conditions. This variant is not present in population databases (ExAC no frequency). This sequence change creates a premature translational stop signal (p.Leu263Hisfs*71) in the MC1R gene. While this is not anticipated to result in nonsense mediated decay, it is expected to disrupt the last 55 amino acid(s) of the MC1R protein.

NM_002386.4(MC1R):c.786_787del (p.Leu263fs)

Gene: MC1R (melanocortin 1 receptor; plus strand). Cytogenetic location: 16q24.3.
Variant type: Microsatellite.
Coding change: c.786_787del on transcript NM_002386.4 (MANE Select); coding-DNA positions 786 to 787, 2 bases deleted (AC; older notation c.786_787delAC).
Protein change: p.Leu263fs; shifts the reading frame from leucine 263.
Molecular consequence: frameshift variant.
Genome position (GRCh38, 1-based): chr16:89,920,044-89,920,045, AC deleted; deleting any 2 consecutive bases within chr16:89,920,041-89,920,045 gives the same sequence; the c. name uses the placement nearest the transcript's 3' end. VCF-style (leftmost placement, unchanged base first): chr16-89920040-TCA-T. GRCh37 (hg19) VCF-style: chr16-89986448-TCA-T.
Other names: short protein forms L263fs.
Identifiers: ClinVar variation 1429291 (VCV001429291.6), dbSNP rs2144393056, ClinGen allele CA2576104039.